The following is an entry in ClinVar:

NM_004082.5(DCTN1):c.2209G>A (p.Glu737Lys)

Gene: DCTN1 (dynactin subunit 1; minus strand). Cytogenetic location: 2p13.1.
Variant type: single nucleotide variant.
Coding change: c.2209G>A on transcript NM_004082.5 (MANE Select); coding-DNA position 2209, G replaced by A.
Protein change: p.Glu737Lys; replaces glutamic acid 737 with lysine.
Molecular consequence: missense variant. On other transcripts: non-coding transcript variant (1).
Genome position (GRCh38, 1-based): chr2:74,367,396, C>T on the plus strand (G>A on the coding strand, the complement: DCTN1 is on the minus strand). VCF-style: chr2-74367396-C-T. GRCh37 (hg19) VCF-style: chr2-74594523-C-T.
Other names: c.2149G>A, p.Glu717Lys (NM_001135040.3); c.1807G>A, p.Glu603Lys (NM_001135041.3, NM_023019.4); c.2098G>A, p.Glu700Lys (NM_001190836.2); c.2188G>A, p.Glu730Lys (NM_001190837.2); c.2158G>A, p.Glu720Lys (NM_001378991.1); c.2140G>A, p.Glu714Lys (NM_001378992.1); short protein forms E737K, E603K, E700K, E730K, E717K, E714K, E720K.
Identifiers: ClinVar variation 194953 (VCV000194953.18), dbSNP rs377183051, ClinGen allele CA241200.

ClinVar aggregate classification (germline): Uncertain significance. Review status: criteria provided, multiple submitters, no conflicts (2 of 4 stars). 5 submissions from 5 submitters: Uncertain significance (3). 2 of the submissions do not count toward it. Last evaluated 2025-09-02.

Conditions:
Inborn genetic diseases. Identifiers: MedGen C0950123, MeSH D030342.
Amyotrophic lateral sclerosis type 1 (ALS1). Also called: AMYOTROPHIC LATERAL SCLEROSIS 1, FAMILIAL. Identifiers: Orphanet 803, MedGen C1862939, MONDO:0007103, OMIM 105400.
Perry syndrome. Also called: PARKINSONISM WITH ALVEOLAR HYPOVENTILATION AND MENTAL DEPRESSION. Identifiers: Orphanet 178509, MedGen C1868594, MONDO:0008201, OMIM 168605.
Neuronopathy, distal hereditary motor, type 7B. Also called: Distal Hereditary Motor Neuronopathy Type 7B (dHMN7B); HMN VIIB; LOWER MOTOR NEURON DISEASE, DYNACTIN TYPE; NEURONOPATHY, DISTAL HEREDITARY MOTOR, AUTOSOMAL DOMINANT 14; NEURONOPATHY, DISTAL HEREDITARY MOTOR, HARDING TYPE VIIB; NEUROPATHY, DISTAL HEREDITARY MOTOR, HARDING TYPE VIIB. Identifiers: Orphanet 139589, MedGen C1843315, MONDO:0011879, OMIM 607641.

Allele frequency attached by ClinVar (database versions not stated): ExAC 0.00001; gnomAD exomes 0.00003 and 0.00007; gnomAD 0.00004 and 0.00005; TOPMed 0.00005; ESP Exome Variant Server 0.00008.

Submissions (5):

Labcorp Genetics (formerly Invitae), Labcorp
Classification: Uncertain significance for Amyotrophic lateral sclerosis type 1; Neuronopathy, distal hereditary motor, type 7B; Perry syndrome. Last evaluated: 2025-09-02. Review status: criteria provided, single submitter. Criteria: Invitae Variant Classification Sherloc (09022015). Collection method: clinical testing. Allele origin: germline.
Comment: This sequence change replaces glutamic acid, which is acidic and polar, with lysine, which is basic and polar, at codon 737 of the DCTN1 protein (p.Glu737Lys). This variant is present in population databases (rs377183051, gnomAD 0.006%). This variant has not been reported in the literature in individuals affected with DCTN1-related conditions. ClinVar contains an entry for this variant (Variation ID: 194953). Invitae Evidence Modeling of protein sequence and biophysical properties (such as structural, functional, and spatial information, amino acid conservation, physicochemical variation, residue mobility, and thermodynamic stability) indicates that this missense variant is not expected to disrupt DCTN1 protein function with a negative predictive value of 95%. In summary, the available evidence is currently insufficient to determine the role of this variant in disease. Therefore, it has been classified as a Variant of Uncertain Significance.

Ambry Genetics
Classification: Uncertain significance for Inborn genetic diseases. Last evaluated: 2023-04-19. Review status: criteria provided, single submitter. Criteria: Ambry Variant Classification Scheme 2023. Collection method: clinical testing. Allele origin: germline.

Eurofins Ntd Llc (ga)
Classification: Uncertain significance. Last evaluated: 2015-03-04. Review status: criteria provided, single submitter. Criteria: EGL Classification Definitions 2015. Collection method: clinical testing. Allele origin: germline. Observed: 1 variant allele, 1 heterozygote.

Clinical Genetics DNA and cytogenetics Diagnostics Lab, Erasmus MC, Erasmus Medical Center
Classification: Uncertain significance. Review status: no assertion criteria provided. Collection method: clinical testing. Allele origin: germline. Affected: yes. Study: VKGL Data-share Consensus. Not counted in ClinVar's aggregate classification.

Clinical Genetics, Academic Medical Center
Classification: Uncertain significance. Review status: no assertion criteria provided. Collection method: clinical testing. Allele origin: germline. Affected: yes. Study: VKGL Data-share Consensus. Not counted in ClinVar's aggregate classification.